The following is an entry in ClinVar:

NC_000001.10:g.(?_45793451)_(45798111_?)del

Genes: HPDL (4-hydroxyphenylpyruvate dioxygenase like; plus strand), MUTYH (mutY DNA glycosylase; minus strand). Cytogenetic location: 1p34.1.
Variant type: Deletion.
Identifiers: ClinVar variation 1455311 (VCV001455311.6).

ClinVar aggregate classification (germline): Pathogenic (1 of 4 stars; one submission).

Conditions:
Familial adenomatous polyposis 2. Also called: COLORECTAL ADENOMATOUS POLYPOSIS, AUTOSOMAL RECESSIVE; ADENOMAS, MULTIPLE COLORECTAL, AUTOSOMAL RECESSIVE; MUTYH-associated polyposis; MUTYH Polyposis; Adenomas, multiple colorectal; MUTYH-related attenuated familial adenomatous polyposis. Identifiers: Orphanet 220460, Orphanet 247798, MedGen C3272841, MONDO:0012041, OMIM 608456.

Submission:

Labcorp Genetics (formerly Invitae), Labcorp
Classification: Pathogenic for Familial adenomatous polyposis 2. Last evaluated: 2021-02-23. Review status: criteria provided, single submitter. Criteria: Invitae Variant Classification Sherloc (09022015). Collection method: clinical testing. Allele origin: germline.
Comment: For these reasons, this variant has been classified as Pathogenic. The region of the MUTYH gene that includes exon(s) 15-16 has been determined to be clinically significant (PMID: 16557584, 17949294, 19806110, 25820570). Therefore, deletions that encompass that region are likely to disrupt protein function and cause disease. This variant has not been reported in the literature in individuals with MUTYH-related conditions. This variant results in the deletion of exon(s) 10-16 and part of exon 9 (c.740_*1527del) of the MUTYH gene. While this deletion is not anticipated to lead to nonsense mediated decay, it is expected to alter mRNA translation or result in a truncated protein product.

Literature cited by the submitters: PubMed 16557584; PubMed 17949294; PubMed 19806110; PubMed 25820570.